The following is an entry in ClinVar:

ClinVar aggregate classification (germline): Uncertain significance (1 of 4 stars; one submission).

Submission:

GeneDx
Classification: Uncertain significance. Last evaluated: 2020-04-27. Review status: criteria provided, single submitter. Criteria: GeneDx Variant Classification Process June 2021. Collection method: clinical testing. Allele origin: germline. Affected: yes.
Comment: Has not been previously published as pathogenic or benign to our knowledge; In silico analysis supports a deleterious effect on protein structure/function; Not observed in large population cohorts (Lek 2016)

NM_004360.5(CDH1):c.575_576delinsCA (p.Ile192Thr)

Gene: CDH1 (cadherin 1; plus strand). Cytogenetic location: 16q22.1.
Variant type: Indel.
Coding change: c.575_576delinsCA on transcript NM_004360.5 (MANE Select); coding-DNA positions 575 to 576, TC replaced by CA.
Protein change: p.Ile192Thr; replaces isoleucine 192 with threonine.
Molecular consequence: missense variant. On other transcripts: 5 prime UTR variant (2).
Genome position (GRCh38, 1-based): chr16:68,808,736-68,808,737, TC replaced by CA. VCF-style: chr16-68808736-TC-CA. GRCh37 (hg19) VCF-style: chr16-68842639-TC-CA.
Other names: c.575_576delinsCA, p.Ile192Thr (NM_001317184.2); c.-1041_-1040delinsCA (NM_001317185.2); c.-1245_-1244delinsCA (NM_001317186.2); short protein forms I192T.
Identifiers: ClinVar variation 1320484 (VCV001320484.2), dbSNP rs2152130123, ClinGen allele CA2573054264.